The following is an entry in ClinVar:

NM_001166108.2(PALLD):c.3286G>T (p.Ala1096Ser)

Genes: CBR4 (carbonyl reductase 4; minus strand), PALLD (palladin, cytoskeletal associated protein; plus strand). Cytogenetic location: 4q32.3.
Variant type: single nucleotide variant.
Coding change: c.3286G>T on transcript NM_001166108.2 (MANE Select); coding-DNA position 3286, G replaced by T.
Protein change: p.Ala1096Ser; replaces alanine 1096 with serine.
Molecular consequence: missense variant.
Genome position (GRCh38, 1-based): chr4:168,925,006, G>T. VCF-style: chr4-168925006-G-T. GRCh37 (hg19) VCF-style: chr4-169846157-G-T.
Other names: c.2089G>T, p.Ala697Ser (NM_001166109.2); c.1774G>T, p.Ala592Ser (NM_001166110.2); c.1114G>T, p.Ala372Ser (NM_001367567.1, NM_001367569.1); c.1165G>T, p.Ala389Ser (NM_001367568.1, NM_001367570.1); c.3235G>T, p.Ala1079Ser (NM_016081.4); short protein forms A1096S, A1079S, A389S, A372S, A592S, A697S.
Identifiers: ClinVar variation 1729237 (VCV001729237.2), dbSNP rs2534268251, ClinGen allele CA358713889.

ClinVar aggregate classification (germline): Uncertain significance (1 of 4 stars; one submission).

Submission:

Ambry Genetics
Classification: Uncertain significance. Last evaluated: 2022-02-13. Review status: criteria provided, single submitter. Criteria: Ambry Variant Classification Scheme 2023. Collection method: clinical testing. Allele origin: germline.
Comment: The p.A1079S variant (also known as c.3235G>T), located in coding exon 18 of the PALLD gene, results from a G to T substitution at nucleotide position 3235. The alanine at codon 1079 is replaced by serine, an amino acid with similar properties. This amino acid position is conserved. In addition, the in silico prediction for this alteration is inconclusive. Since supporting evidence is limited at this time, the clinical significance of this alteration remains unclear.